The following is an entry in ClinVar:

ClinVar aggregate classification (germline): Uncertain significance (1 of 4 stars; one submission).

Conditions:
Hereditary pulmonary alveolar proteinosis. Also called: Pulmonary surfactant metabolism dysfunction. Identifiers: Orphanet 264675, MedGen C3711368, MONDO:0012580.

Submission:

Ambry Genetics
Classification: Uncertain significance for Hereditary pulmonary alveolar proteinosis. Last evaluated: 2014-10-29. Review status: criteria provided, single submitter. Criteria: Ambry Variant Classification Scheme 2023. Collection method: clinical testing. Allele origin: germline.
Comment: The p.S149A variant (also known as c.445T>G), located in coding exon 5 of the SFTPC gene, results from a T to G substitution at nucleotide position 445. The serine at codon 149 is replaced by alanine, an amino acid with some similar properties. This variant was not reported in population based cohorts in the following databases: Database of Single Nucleotide Polymorphisms (dbSNP), NHLBI Exome Sequencing Project (ESP), and 1000 Genomes Project. In the ESP, this variant was not observed in 6190 samples (12380 alleles) with coverage at this position. This amino acid position is not well conserved in available vertebrate species. In addition, this alteration is predicted to be tolerated by in silico analysis. Since supporting evidence is limited at this time, the clinical significance of this variant remains unclear.

NM_001317778.2(SFTPC):c.436-9T>G

Gene: SFTPC (surfactant protein C; plus strand). Cytogenetic location: 8p21.3.
Variant type: single nucleotide variant.
Coding change: c.436-9T>G on transcript NM_001317778.2 (MANE Select); 9 bases into the intron before coding-DNA position 436, T replaced by G.
Molecular consequence: intron variant. On other transcripts: missense variant (7).
Genome position (GRCh38, 1-based): chr8:22,163,892, T>G. VCF-style: chr8-22163892-T-G. GRCh37 (hg19) VCF-style: chr8-22021405-T-G.
Other names: c.445T>G, p.Ser149Ala (NM_001172410.2, NM_001385653.1, NM_001385654.1 and 2 more transcripts); c.286T>G, p.Ser96Ala (NM_001317779.2, NM_001385660.1); c.436-9T>G (NM_001385656.1, NM_001385658.1, NM_001385657.1 and 3 more transcripts); short protein forms S96A, S149A.
Identifiers: ClinVar variation 1740774 (VCV001740774.2), dbSNP rs2538948067, ClinGen allele CA370538212.